The following is an entry in ClinVar:

ClinVar aggregate classification (germline): Benign. Review status: criteria provided, multiple submitters, no conflicts (2 of 4 stars). 3 submissions from 3 submitters: Benign (2). 1 of the submissions does not count toward it. Last evaluated 2026-01-26.

Conditions:
PPM1K-related disorder. Also called: PPM1K-related condition.
Maple syrup urine disease, mild variant (MSUDMV). Identifiers: Orphanet 511, MedGen C3554575, MONDO:0014057, OMIM 615135.

Allele frequency attached by ClinVar (database versions not stated): gnomAD exomes 0.00255 and 0.00671; ExAC 0.00794; gnomAD 0.02305 and 0.02463; TOPMed 0.02616; ESP Exome Variant Server 0.02845; 1000 Genomes Project 0.02875; 1000 Genomes Project 30x 0.03107.
gnomAD v4.1: 7,475 of 1,613,966 alleles (0.46%); highest among the groups gnomAD compares: African/African-American, 8%; 253 homozygotes.

Submissions (3):

Labcorp Genetics (formerly Invitae), Labcorp
Classification: Benign for Maple syrup urine disease, mild variant. Last evaluated: 2026-01-26. Review status: criteria provided, single submitter. Criteria: Invitae Variant Classification Sherloc (09022015). Collection method: clinical testing. Allele origin: germline.

Breakthrough Genomics
Classification: Benign. Review status: criteria provided, single submitter. Criteria: ACMG Guidelines, 2015. Collection method: not provided. Allele origin: germline. Inheritance: Autosomal recessive inheritance. Affected: yes.

PreventionGenetics, part of Exact Sciences
Classification: Benign for PPM1K-related condition. Last evaluated: 2019-07-24. Review status: no assertion criteria provided. Collection method: clinical testing. Allele origin: germline. Not counted in ClinVar's aggregate classification.
Comment: This variant is classified as benign based on ACMG/AMP sequence variant interpretation guidelines (Richards et al. 2015 PMID: 25741868, with internal and published modifications).

NM_152542.5(PPM1K):c.978G>A (p.Val326=)

Gene: PPM1K (protein phosphatase, Mg2+/Mn2+ dependent 1K; minus strand). Cytogenetic location: 4q22.1.
Variant type: single nucleotide variant.
Coding change: c.978G>A on transcript NM_152542.5 (MANE Select); coding-DNA position 978, G replaced by A.
Protein change: p.Val326=; no amino-acid change (valine 326 retained).
Molecular consequence: synonymous variant.
Genome position (GRCh38, 1-based): chr4:88,265,010, C>T on the plus strand (G>A on the coding strand, the complement: PPM1K is on the minus strand). VCF-style: chr4-88265010-C-T. GRCh37 (hg19) VCF-style: chr4-89186162-C-T.
Identifiers: ClinVar variation 473876 (VCV000473876.15), dbSNP rs34981823, ClinGen allele CA3005132.